The following is an entry in ClinVar:

NM_006493.4(CLN5):c.248T>C (p.Ile83Thr)

Gene: CLN5 (CLN5 lysosomal BMP synthase; plus strand). Cytogenetic location: 13q22.3.
Variant type: single nucleotide variant.
Coding change: c.248T>C on transcript NM_006493.4 (MANE Select); coding-DNA position 248, T replaced by C.
Protein change: p.Ile83Thr; replaces isoleucine 83 with threonine.
Molecular consequence: missense variant.
Genome position (GRCh38, 1-based): chr13:76,995,137, T>C. VCF-style: chr13-76995137-T-C. GRCh37 (hg19) VCF-style: chr13-77569272-T-C.
Other names: c.248T>C, p.Ile83Thr (NM_001366624.2); short protein forms I132T, I83T.
Identifiers: ClinVar variation 1903013 (VCV001903013.5), dbSNP rs2034243356, ClinGen allele CA388307981.
Genomic context (GRCh38, chr13:76,995,137, plus strand): 5'-GTCCAAAACCTGATCCTTATTGTCAAGCTAAGTATACTTTCTGTCCAACTGGCTCACCTA[T>C]CCCAGTTATGGAGGGTGATGATGACATTGAAGTTTTTCGATTACAAGCCCCAGTATGGGA-3'
Protein context (NP_006484.2, residues 73-93): KYTFCPTGSP[Ile83Thr]PVMEGDDDIE

ClinVar aggregate classification (germline): Uncertain significance (1 of 4 stars; one submission).

Conditions:
Neuronal ceroid lipofuscinosis. Also called: Neuronal Ceroid Lipofuscinoses. Identifiers: Orphanet 216, Orphanet 79263, MedGen C0027877, MONDO:0016295. Disease mechanism: loss of function.

Allele frequency attached by ClinVar (database versions not stated): gnomAD exomes below 0.00001; TOPMed below 0.00001.

Submission:

Labcorp Genetics (formerly Invitae), Labcorp
Classification: Uncertain significance for Neuronal ceroid lipofuscinosis. Last evaluated: 2022-06-01. Review status: criteria provided, single submitter. Criteria: Invitae Variant Classification Sherloc (09022015). Collection method: clinical testing. Allele origin: germline.
Comment: In summary, the available evidence is currently insufficient to determine the role of this variant in disease. Therefore, it has been classified as a Variant of Uncertain Significance. Algorithms developed to predict the effect of missense changes on protein structure and function output the following: SIFT: "Deleterious"; PolyPhen-2: "Benign"; Align-GVGD: "Class C55". The threonine amino acid residue is found in multiple mammalian species, which suggests that this missense change does not adversely affect protein function. This variant has not been reported in the literature in individuals affected with CLN5-related conditions. This variant is not present in population databases (gnomAD no frequency). This sequence change replaces isoleucine, which is neutral and non-polar, with threonine, which is neutral and polar, at codon 132 of the CLN5 protein (p.Ile132Thr).